The following is an entry in ClinVar:

ClinVar aggregate classification (germline): Uncertain significance. Review status: criteria provided, multiple submitters, no conflicts (2 of 4 stars). 3 submissions from 3 submitters: Uncertain significance (2). 1 of the submissions does not count toward it. Last evaluated 2026-01-05.

Conditions:
Retinitis pigmentosa 25 (RP25). Identifiers: Orphanet 791, MedGen C1864446, MONDO:0011272, OMIM 602772.

Allele frequency attached by ClinVar (database versions not stated): ExAC 0.00005.
gnomAD v4.1: 19 of 1,551,304 alleles (0.0012%); highest among the groups gnomAD compares: South Asian, 0.0048%; no homozygotes.

Submissions (3):

Labcorp Genetics (formerly Invitae), Labcorp
Classification: Uncertain significance. Last evaluated: 2026-01-05. Review status: criteria provided, single submitter. Criteria: Invitae Variant Classification Sherloc (09022015). Collection method: clinical testing. Allele origin: germline.
Comment: This sequence change replaces tyrosine, which is neutral and polar, with cysteine, which is neutral and slightly polar, at codon 3034 of the EYS protein (p.Tyr3034Cys). This variant is present in population databases (rs779289332, gnomAD 0.009%). This missense change has been observed in individual(s) with clinical features of retinitis pigmentosa (PMID: 31814702). This variant is also known as c.9164A>G, p.Tyr3055Cys. ClinVar contains an entry for this variant (Variation ID: 1057761). An algorithm developed to predict the effect of missense changes on protein structure and function outputs the following: PolyPhen-2: "Possibly Damaging". The cysteine amino acid residue is found in multiple mammalian species, which suggests that this missense change does not adversely affect protein function. In summary, the available evidence is currently insufficient to determine the role of this variant in disease. Therefore, it has been classified as a Variant of Uncertain Significance.

Blueprint Genetics
Classification: Uncertain significance. Last evaluated: 2024-04-26. Review status: criteria provided, single submitter. Criteria: ACMG Guidelines, 2015. Collection method: clinical testing. Allele origin: germline.

Natera, Inc.
Classification: Uncertain significance for Retinitis pigmentosa type 25. Last evaluated: 2020-10-06. Review status: no assertion criteria provided. Collection method: clinical testing. Allele origin: germline. Not counted in ClinVar's aggregate classification.

Literature cited by the submitters: PubMed 31814702 (cited by Labcorp Genetics (formerly Invitae), Labcorp).

NM_001142800.2(EYS):c.9101A>G (p.Tyr3034Cys)

Genes: EYS (EGF-like photoreceptor maintenance factor; minus strand), PHF3 (PHD finger protein 3; plus strand). Cytogenetic location: 6q12.
Variant type: single nucleotide variant.
Coding change: c.9101A>G on transcript NM_001142800.2 (MANE Select); coding-DNA position 9101, A replaced by G.
Protein change: p.Tyr3034Cys; replaces tyrosine 3034 with cysteine.
Molecular consequence: missense variant. On other transcripts: 3 prime UTR variant (5).
Genome position (GRCh38, 1-based): chr6:63,720,930, T>C on the plus strand (A>G on the coding strand, the complement: EYS is on the minus strand). VCF-style: chr6-63720930-T-C. GRCh37 (hg19) VCF-style: chr6-64430826-T-C.
Other names: c.*7222T>C (NM_001290259.2, NM_001370348.2, NM_001370349.2 and 2 more transcripts); c.9164A>G, p.Tyr3055Cys (NM_001292009.2); short protein forms Y3034C, Y3055C.
Identifiers: ClinVar variation 1057761 (VCV001057761.7), dbSNP rs779289332, ClinGen allele CA3876681.
Genomic context (GRCh38, chr6:63,720,930, plus strand): 5'-GTCTGATTTTGAATTACAACTACATGGTGCCATTTATTACAACAGAATGTGCCATTGTTA[T>C]AGCTCATAGGCACAGAGATTCTTTCTCCCAAGTTAACTGCTATTTTCAAGGTCTGATTAT-3'
Protein context (NP_001136272.1, residues 3024-3044): LGERISVPMS[Tyr3034Cys]NNGTFCCNKW